The following is an entry in ClinVar:

NM_000238.4(KCNH2):c.916G>T (p.Gly306Trp)

Gene: KCNH2 (potassium voltage-gated channel subfamily H member 2; minus strand). Cytogenetic location: 7q36.1.
Variant type: single nucleotide variant.
Coding change: c.916G>T on transcript NM_000238.4 (MANE Select); coding-DNA position 916, G replaced by T.
Protein change: p.Gly306Trp; replaces glycine 306 with tryptophan.
Molecular consequence: missense variant.
Genome position (GRCh38, 1-based): chr7:150,958,059, C>A on the plus strand (G>T on the coding strand, the complement: KCNH2 is on the minus strand). VCF-style: chr7-150958059-C-A. GRCh37 (hg19) VCF-style: chr7-150655147-C-A.
Other names: p.G306W:GGG>TGG; c.916G>T (LRG_288t1); c.628G>T, p.Gly210Trp (NM_001406753.1, NM_001406756.1); c.739G>T, p.Gly247Trp (NM_001406755.1); c.616G>T, p.Gly206Trp (NM_001406757.1); c.916G>T, p.Gly306Trp (NM_172056.3); short protein forms G306W, G206W, G247W, G210W.
Identifiers: ClinVar variation 67544 (VCV000067544.9), dbSNP rs199472884, ClinGen allele CA008988.

ClinVar aggregate classification (germline): Likely pathogenic. Review status: criteria provided, multiple submitters, no conflicts (2 of 4 stars). 3 submissions from 3 submitters: Likely pathogenic (2). 1 of the submissions does not count toward it. Last evaluated 2026-07-30.

Conditions:
Familial long QT syndrome (RWS). Also called: Congenital long QT syndrome; Romano-Ward syndrome; VENTRICULAR FIBRILLATION WITH PROLONGED QT INTERVAL. Identifiers: Orphanet 768, MedGen C1141890, MONDO:0019171.
Long QT syndrome (LQTS). Identifiers: MedGen C0023976, MeSH D008133, MONDO:0002442. Disease mechanism: loss of function. Inheritance: Various modes of inheritance.

gnomAD v4.1: 7 of 1,260,394 alleles (0.00056%); highest among the groups gnomAD compares: Non-Finnish European, 0.0007%; no homozygotes.

Submissions (3):

GeneDx
Classification: Likely pathogenic. Last evaluated: 2026-07-30. Review status: criteria provided, single submitter. Criteria: GeneDx Variant Classification Process June 2021. Collection method: clinical testing. Allele origin: germline.
Comment: Identified in at least one patient with LQTS in published literature (PMID: 15840476, 19841300, 22949429); Not observed at significant frequency in large population cohorts (gnomAD); Alters the last nucleotide of the exon and is predicted to destroy the splice donor site but the effect on protein function is unclear (PMID: 40130303); In silico analysis supports that this missense variant has a deleterious effect on protein structure/function; This variant is associated with the following publications: (PMID: 15840476, 19841300, 22949429, 33087929, 41443252, 40130303)

Labcorp Genetics (formerly Invitae), Labcorp
Classification: Likely pathogenic for Long QT syndrome. Last evaluated: 2023-02-13. Review status: criteria provided, single submitter. Criteria: Invitae Variant Classification Sherloc (09022015). Collection method: clinical testing. Allele origin: germline.
Comment: In summary, the currently available evidence indicates that the variant is pathogenic, but additional data are needed to prove that conclusively. Therefore, this variant has been classified as Likely Pathogenic. This variant disrupts the c.916G nucleotide in the KCNH2 gene. Other variant(s) that disrupt this nucleotide have been determined to be pathogenic (PMID: 15840476, 18752142; Invitae). This suggests that this nucleotide is clinically significant, and that variants that disrupt this position are likely to be disease-causing. Variants that disrupt the consensus splice site are a relatively common cause of aberrant splicing (PMID: 17576681, 9536098). Algorithms developed to predict the effect of sequence changes on RNA splicing suggest that this variant may disrupt the consensus splice site. Algorithms developed to predict the effect of missense changes on protein structure and function are either unavailable or do not agree on the potential impact of this missense change (SIFT: "Deleterious"; PolyPhen-2: "Benign"; Align-GVGD: "Class C0"). ClinVar contains an entry for this variant (Variation ID: 67544). This missense change has been observed in individuals with clinical features of long QT syndrome (PMID: 22949429; Invitae). This variant is not present in population databases (gnomAD no frequency). This sequence change replaces glycine, which is neutral and non-polar, with tryptophan, which is neutral and slightly polar, at codon 306 of the KCNH2 protein (p.Gly306Trp). This variant also falls at the last nucleotide of exon 4, which is part of the consensus splice site for this exon.

Cardiovascular Biomedical Research Unit, Royal Brompton & Harefield NHS Foundation Trust
No classification provided. Condition: Familial long QT syndrome. Review status: no classification provided. Collection method: literature only. Allele origin: germline. Not counted in ClinVar's aggregate classification.
Comment: This variant has been reported as associated with Long QT syndrome in the following publications (PMID:15840476;PMID:19841300). This is a literature report, and does not necessarily reflect the clinical interpretation of the Imperial College / Royal Brompton Cardiovascular Genetics laboratory.

Literature cited by the submitters: PubMed 15840476 (cited by Labcorp Genetics (formerly Invitae), Labcorp and Cardiovascular Biomedical Research Unit, Royal Brompton & Harefield NHS Foundation Trust); PubMed 18752142 (cited by Labcorp Genetics (formerly Invitae), Labcorp); PubMed 17576681 (cited by Labcorp Genetics (formerly Invitae), Labcorp); PubMed 9536098 (cited by Labcorp Genetics (formerly Invitae), Labcorp); PubMed 22949429 (cited by Labcorp Genetics (formerly Invitae), Labcorp); PubMed 19841300 (cited by Cardiovascular Biomedical Research Unit, Royal Brompton & Harefield NHS Foundation Trust); PubMed 22581653 (cited by Cardiovascular Biomedical Research Unit, Royal Brompton & Harefield NHS Foundation Trust).